The following is an entry in ClinVar:

NM_153704.6(TMEM67):c.122del (p.Phe41fs)

Gene: TMEM67 (transmembrane protein 67; plus strand). Cytogenetic location: 8q22.1.
Variant type: Deletion.
Coding change: c.122del on transcript NM_153704.6 (MANE Select); coding-DNA position 122, one base deleted (T; older notation c.122delT).
Protein change: p.Phe41fs; shifts the reading frame from phenylalanine 41.
Molecular consequence: frameshift variant. On other transcripts: 5 prime UTR variant (1), non-coding transcript variant (1).
Genome position (GRCh38, 1-based): chr8:93,755,036, T deleted; the last of 3 consecutive T bases (chr8:93,755,034-93,755,036); deleting any one gives the same sequence. VCF-style (leftmost placement, unchanged base first): chr8-93755033-CT-C. GRCh37 (hg19) VCF-style: chr8-94767261-CT-C.
Other names: c.-163del (NM_001142301.1); short protein forms F41fs.
Identifiers: ClinVar variation 4995387 (VCV004995387.1).

ClinVar aggregate classification (germline): Likely pathogenic (1 of 4 stars; one submission).

Conditions:
TMEM67-related disorder. Also called: TMEM67-related condition; TMEM67-related disorders. Identifiers: MedGen CN239423.

Submission:

PreventionGenetics, part of Exact Sciences
Classification: Likely pathogenic for TMEM67-related condition. Last evaluated: 2025-10-17. Review status: criteria provided, single submitter. Criteria: ACMG Guidelines, 2015. Collection method: clinical testing. Allele origin: germline.
Comment: The TMEM67 c.122delT variant is predicted to result in a frameshift and premature protein termination (p.Phe41Serfs*46). To our knowledge, this variant has not been reported in the literature or in a large population database (gnomAD), indicating this variant is rare. Frameshift variants in TMEM67 are expected to be pathogenic. This variant is interpreted as likely pathogenic.